The following is an entry in ClinVar:

NM_006258.4(PRKG1):c.1024G>A (p.Gly342Arg)

Gene: PRKG1 (protein kinase cGMP-dependent 1; plus strand). Cytogenetic location: 10q21.1.
Variant type: single nucleotide variant.
Coding change: c.1024G>A on transcript NM_006258.4 (MANE Select); coding-DNA position 1024, G replaced by A.
Protein change: p.Gly342Arg; replaces glycine 342 with arginine.
Molecular consequence: missense variant. On other transcripts: 5 prime UTR variant (1).
Genome position (GRCh38, 1-based): chr10:52,161,911, G>A. VCF-style: chr10-52161911-G-A. GRCh37 (hg19) VCF-style: chr10-53921671-G-A.
Other names: c.979G>A, p.Gly327Arg (NM_001098512.3); c.-186G>A (NM_001374781.1); short protein forms G327R, G342R.
Identifiers: ClinVar variation 5027361 (VCV005027361.1).

ClinVar aggregate classification (germline): Uncertain significance (1 of 4 stars; one submission).

Conditions:
Familial thoracic aortic aneurysm and aortic dissection (TAAD). Also called: Thoracic aortic aneurysms and dissections. Identifiers: Orphanet 91387, MedGen C4707243, MONDO:0019625.

gnomAD v4.1: 1 of 1,612,620 alleles (0.000062%); highest among the groups gnomAD compares: South Asian, 0.0011%; no homozygotes.

Submission:

Ambry Genetics
Classification: Uncertain significance for Familial thoracic aortic aneurysm and aortic dissection. Last evaluated: 2026-08-10. Review status: criteria provided, single submitter. Criteria: Ambry Variant Classification Scheme 2023. Collection method: clinical testing. Allele origin: germline.
Comment: The p.G342R variant (also known as c.1024G>A), located in coding exon 9 of the PRKG1 gene, results from a G to A substitution at nucleotide position 1024. The glycine at codon 342 is replaced by arginine, an amino acid with dissimilar properties. This amino acid position is conserved. In addition, the in silico prediction for this alteration is inconclusive. Based on the available evidence, the clinical significance of this variant remains unclear.